The following is an entry in ClinVar:

ClinVar aggregate classification (germline): Uncertain significance (1 of 4 stars; one submission).

Conditions:
POLD1-related polyposis and colorectal cancer syndrome (CRCS10). Also called: COLORECTAL CANCER, SUSCEPTIBILITY TO, ON CHROMOSOME 19q; Colorectal cancer 10; Colorectal cancer, susceptibility to, 10. Identifiers: Orphanet 220460, MedGen C2675481, MONDO:0012953, OMIM 612591.

Submission:

Labcorp Genetics (formerly Invitae), Labcorp
Classification: Uncertain significance for POLD1-related polyposis and colorectal cancer syndrome. Last evaluated: 2022-09-29. Review status: criteria provided, single submitter. Criteria: Invitae Variant Classification Sherloc (09022015). Collection method: clinical testing. Allele origin: germline.
Comment: In summary, the available evidence is currently insufficient to determine the role of this variant in disease. Therefore, it has been classified as a Variant of Uncertain Significance. Advanced modeling of protein sequence and biophysical properties (such as structural, functional, and spatial information, amino acid conservation, physicochemical variation, residue mobility, and thermodynamic stability) performed at Invitae indicates that this missense variant is not expected to disrupt POLD1 protein function. This variant has not been reported in the literature in individuals affected with POLD1-related conditions. This variant is not present in population databases (gnomAD no frequency). This sequence change replaces glutamine, which is neutral and polar, with histidine, which is basic and polar, at codon 880 of the POLD1 protein (p.Gln880His).

NM_002691.4(POLD1):c.2640G>C (p.Gln880His)

Gene: POLD1 (DNA polymerase delta 1, catalytic subunit; plus strand). Cytogenetic location: 19q13.33.
Variant type: single nucleotide variant.
Coding change: c.2640G>C on transcript NM_002691.4 (MANE Select); coding-DNA position 2640, G replaced by C.
Protein change: p.Gln880His; replaces glutamine 880 with histidine.
Molecular consequence: missense variant. On other transcripts: non-coding transcript variant (1).
Genome position (GRCh38, 1-based): chr19:50,415,513, G>C. VCF-style: chr19-50415513-G-C. GRCh37 (hg19) VCF-style: chr19-50918770-G-C.
Other names: c.2640G>C, p.Gln880His (NM_001256849.1); c.2718G>C, p.Gln906His (NM_001308632.1); short protein forms Q880H, Q906H.
Identifiers: ClinVar variation 1720639 (VCV001720639.5), dbSNP rs2122475662, ClinGen allele CA406985524.